The following is an entry in ClinVar:

NM_001374828.1(ARID1B):c.5485C>T (p.Pro1829Ser)

Gene: ARID1B (AT-rich interaction domain 1B; plus strand). Cytogenetic location: 6q25.3.
Variant type: single nucleotide variant.
Coding change: c.5485C>T on transcript NM_001374828.1 (MANE Select); coding-DNA position 5485, C replaced by T.
Protein change: p.Pro1829Ser; replaces proline 1829 with serine.
Molecular consequence: missense variant.
Genome position (GRCh38, 1-based): chr6:157,206,257, C>T. VCF-style: chr6-157206257-C-T. GRCh37 (hg19) VCF-style: chr6-157527391-C-T.
Other names: c.2986C>T, p.Pro996Ser (NM_001363725.2); c.5365C>T, p.Pro1789Ser (NM_001371656.1, NM_001374820.1); c.5326C>T, p.Pro1776Ser (NM_017519.3); c.5116C>T (NM_020732.3); short protein forms P1776S, P1789S, P1829S, P996S.
Identifiers: ClinVar variation 3429006 (VCV003429006.2).
Genomic context (GRCh38, chr6:157,206,257, plus strand): 5'-TACTTTAGAAAATGCCTGATTGACATTTTTGGAATTCTTATGGAATATGAAGTGGGAGAC[C>T]CCAGCCAAAAAGCACTTGATCACAACGCAGCAAGGAAGGATGACAGCCAGTCCTTGGCAG-3'
Protein context (NP_001361757.1, residues 1819-1839): GILMEYEVGD[Pro1829Ser]SQKALDHNAA

ClinVar aggregate classification (germline): Uncertain significance. Review status: criteria provided, multiple submitters, no conflicts (2 of 4 stars). 2 submissions from 2 submitters: Uncertain significance (2). Last evaluated 2024-11-25.

Conditions:
Inborn genetic diseases. Identifiers: MedGen C0950123, MeSH D030342.
ARID1B-Related Disorder. Identifiers: MedGen CN381337.

Submissions (2):

PreventionGenetics, part of Exact Sciences
Classification: Uncertain significance for ARID1B-related condition. Last evaluated: 2024-11-25. Review status: criteria provided, single submitter. Criteria: ACMG Guidelines, 2015. Collection method: clinical testing. Allele origin: germline.
Comment: The ARID1B c.5116C>T variant is predicted to result in the amino acid substitution p.Pro1706Ser. To our knowledge, this variant has not been reported in the literature or in a large population database (gnomAD), indicating this variant is rare. At this time, the clinical significance of this variant is uncertain due to the absence of conclusive functional and genetic evidence.

Ambry Genetics
Classification: Uncertain significance for Inborn genetic diseases. Last evaluated: 2024-09-27. Review status: criteria provided, single submitter. Criteria: Ambry Variant Classification Scheme 2023. Collection method: clinical testing. Allele origin: germline.